The following is an entry in ClinVar:

NM_006267.5(RANBP2):c.143A>T (p.Tyr48Phe)

Gene: RANBP2 (RAN binding protein 2; plus strand). Cytogenetic location: 2q13.
Variant type: single nucleotide variant.
Coding change: c.143A>T on transcript NM_006267.5 (MANE Select); coding-DNA position 143, A replaced by T.
Protein change: p.Tyr48Phe; replaces tyrosine 48 with phenylalanine.
Molecular consequence: missense variant.
Genome position (GRCh38, 1-based): chr2:108,730,776, A>T. VCF-style: chr2-108730776-A-T. GRCh37 (hg19) VCF-style: chr2-109347232-A-T.
Other names: short protein forms Y48F.
Identifiers: ClinVar variation 1024410 (VCV001024410.5), dbSNP rs780017280, ClinGen allele CA1821958.

ClinVar aggregate classification (germline): Uncertain significance (1 of 4 stars; one submission).

Conditions:
Familial acute necrotizing encephalopathy (IIAE3). Also called: ENCEPHALOPATHY, ACUTE, INFECTION-INDUCED, SUSCEPTIBILITY TO, 3; Susceptibility to Acute Necrotizing Encephalopathy 1. Identifiers: Orphanet 88619, MedGen C2675556, MONDO:0011953, OMIM 608033.

Allele frequency attached by ClinVar (database versions not stated): TOPMed below 0.00001; ExAC 0.00001; gnomAD exomes 0.00001 and 0.00003.
gnomAD v4.1: 8 of 1,610,928 alleles (0.0005%); highest among the groups gnomAD compares: Admixed American, 0.013%; no homozygotes.

Submission:

Labcorp Genetics (formerly Invitae), Labcorp
Classification: Uncertain significance for Familial acute necrotizing encephalopathy. Last evaluated: 2024-02-17. Review status: criteria provided, single submitter. Criteria: Invitae Variant Classification Sherloc (09022015). Collection method: clinical testing. Allele origin: germline.
Comment: This sequence change replaces tyrosine, which is neutral and polar, with phenylalanine, which is neutral and non-polar, at codon 48 of the RANBP2 protein (p.Tyr48Phe). This variant is present in population databases (rs780017280, gnomAD 0.02%). This variant has not been reported in the literature in individuals affected with RANBP2-related conditions. ClinVar contains an entry for this variant (Variation ID: 1024410). An algorithm developed to predict the effect of missense changes on protein structure and function (PolyPhen-2) suggests that this variant is likely to be tolerated. In summary, the available evidence is currently insufficient to determine the role of this variant in disease. Therefore, it has been classified as a Variant of Uncertain Significance.